The following is an entry in ClinVar:

NM_001042492.3(NF1):c.2990+5G>A

Gene: NF1 (neurofibromin 1; plus strand). Cytogenetic location: 17q11.2.
Variant type: single nucleotide variant.
Coding change: c.2990+5G>A on transcript NM_001042492.3 (MANE Select); 5 bases into the intron after coding-DNA position 2990, G replaced by A.
Molecular consequence: intron variant.
Genome position (GRCh38, 1-based): chr17:31,229,979, G>A. VCF-style: chr17-31229979-G-A. GRCh37 (hg19) VCF-style: chr17-29556997-G-A.
Other names: c.2990+5G>A (NM_000267.4).
Identifiers: ClinVar variation 527465 (VCV000527465.15), dbSNP rs1555614464, ClinGen allele CA658761047.

ClinVar aggregate classification (germline): Pathogenic/Likely pathogenic. Review status: criteria provided, multiple submitters, no conflicts (2 of 4 stars). 6 submissions from 6 submitters: Pathogenic (3); Likely pathogenic (3). Last evaluated 2026-02-06.

Conditions:
Cardiovascular phenotype. Identifiers: MedGen CN230736.
Hereditary cancer-predisposing syndrome. Also called: Neoplastic Syndromes, Hereditary; Tumor predisposition; Hereditary neoplastic syndrome; Hereditary Cancer Syndrome. Identifiers: Orphanet 140162, MedGen C0027672, MeSH D009386, MONDO:0015356.
Neurofibromatosis, type 1 (NF1). Also called: VON RECKLINGHAUSEN DISEASE; NEUROFIBROMATOSIS, TYPE I, SOMATIC; Peripheral type neurofibromatosis; Neurofibromatosis, type I. Identifiers: Orphanet 636, MedGen C0027831, MONDO:0018975, OMIM 162200. Disease mechanism: loss of function.

Submissions (6):

GeneDx
Classification: Likely pathogenic. Last evaluated: 2026-02-06. Review status: criteria provided, single submitter. Criteria: GeneDx Variant Classification Process June 2021. Collection method: clinical testing. Allele origin: germline. Affected: yes.
Comment: Not observed at significant frequency in large population cohorts (gnomAD); In silico analysis is inconclusive as to whether the variant alters gene splicing. In the absence of RNA/functional studies, the actual effect of this sequence change is unknown.; This variant is associated with the following publications: (PMID: 17576681, 9536098, 26740943, LOVD, 35595873, 17311297, Eroul2024[CaseReport], Ertuk2023[CaseReport], 18041031)

Labcorp Genetics (formerly Invitae), Labcorp
Classification: Pathogenic for Neurofibromatosis, type 1. Last evaluated: 2025-09-10. Review status: criteria provided, single submitter. Criteria: Invitae Variant Classification Sherloc (09022015). Collection method: clinical testing. Allele origin: germline.
Comment: This sequence change falls in intron 22 of the NF1 gene. It does not directly change the encoded amino acid sequence of the NF1 protein. It affects a nucleotide within the consensus splice site. This variant is not present in population databases (gnomAD no frequency). This variant has been observed in individual(s) with or undergoing testing for neurofibromatosis type 1 (PMID: 17311297, 21520333; internal data). Invitae Evidence Modeling of clinical and family history, age, sex, and reported ancestry of multiple individuals with this NF1 variant has been performed. This variant is expected to be pathogenic with a positive predictive value of at least 99%. This is a validated machine learning model that incorporates the clinical features of 1,785,918 individuals referred to our laboratory for NF1 testing. ClinVar contains an entry for this variant (Variation ID: 527465). Variants that disrupt the consensus splice site are a relatively common cause of aberrant splicing (PMID: 17576681, 9536098). Algorithms developed to predict the effect of sequence changes on RNA splicing suggest that this variant may disrupt the consensus splice site. This variant disrupts the c.2990+5G nucleotide in the NF1 gene. Other variant(s) that disrupt this nucleotide have been determined to be pathogenic (PMID: 26740943). This suggests that this nucleotide is clinically significant, and that variants that disrupt this position are likely to be disease-causing. For these reasons, this variant has been classified as Pathogenic.

NHS Central & South Genomic Laboratory Hub
Classification: Pathogenic for Neurofibromatosis type 1. Last evaluated: 2024-07-01. Review status: criteria provided, single submitter. Criteria: ACMG Guidelines, 2015. Collection method: clinical testing. Allele origin: germline. Affected: yes.

Ambry Genetics
Classification: Pathogenic for Cardiovascular phenotype; Hereditary cancer-predisposing syndrome. Last evaluated: 2023-06-29. Review status: criteria provided, single submitter. Criteria: Ambry Variant Classification Scheme 2023. Collection method: clinical testing. Allele origin: germline.
Comment: The c.2990+5G>A intronic variant results from a G to A substitution 5 nucleotides after coding exon 22 in the NF1 gene. This nucleotide position is highly conserved in available vertebrate species. This variant has been determined to be the result of a de novo mutation or germline mosaicism in one individual with Neurofibromitosis type 1 (External Communication). This alteration has also been observed in at least one individual with a personal and/or family history that is consistent with NF1-related disease (Bianchessi D. et al Mol Genet Genomic Med 2015 Nov;3(6):513-25). RNA studies have demonstrated that this alteration results in abnormal splicing in the set of samples tested (Ambry internal data). Based on the supporting evidence, this alteration is interpreted as a disease-causing mutation.

Women's Health and Genetics/Laboratory Corporation of America, LabCorp
Classification: Likely pathogenic for Neurofibromatosis, type 1. Last evaluated: 2023-04-14. Review status: criteria provided, single submitter. Criteria: LabCorp Variant Classification Summary - May 2015. Collection method: clinical testing. Allele origin: germline.
Comment: Variant summary: NF1 c.2990+5G>A alters a nucleotide located close to a canonical splice site and therefore could affect mRNA splicing, leading to a significantly altered protein sequence. Several computational tools predict a significant impact on normal splicing: Three predict the variant weakens a canonical 5' donor site. One predict the variant no significant impact on splicing. At least one publication reports experimental evidence supporting an impact on splicing, finding an under-representation of the variant transcript allele relative to the wildtype allele using pyrosequencing (Brinckmann_2007), which is consistent with NMD following a frameshift. The variant was absent in 249736 control chromosomes (gnomAD). c.2990+5G>A has been reported in the literature in individuals affected with Neurofibromatosis Type 1 (Wimmer_2007, Brinckmann_2007). These data indicate that the variant is likely to be associated with disease. Three submitters have provided clinical-significance assessments for this variant to ClinVar after 2014, and classified the variant as pathogenic/likely pathogenic. Based on the evidence outlined above, the variant was classified as likely pathogenic.

Center for Human Genetics, Inc
Classification: Likely pathogenic for Neurofibromatosis, type 1. Last evaluated: 2016-11-01. Review status: criteria provided, single submitter. Criteria: ACMG Guidelines, 2015. Collection method: clinical testing. Allele origin: germline. Affected: yes.

Literature cited by the submitters: PubMed 17311297 (cited by Labcorp Genetics (formerly Invitae), Labcorp and Women's Health and Genetics/Laboratory Corporation of America, LabCorp); PubMed 21520333 (cited by Labcorp Genetics (formerly Invitae), Labcorp); PubMed 17576681 (cited by Labcorp Genetics (formerly Invitae), Labcorp); PubMed 9536098 (cited by Labcorp Genetics (formerly Invitae), Labcorp); PubMed 26740943 (cited by Labcorp Genetics (formerly Invitae), Labcorp); PubMed 18041031 (cited by Women's Health and Genetics/Laboratory Corporation of America, LabCorp).